The following is an entry in ClinVar:

ClinVar aggregate classification (germline): Conflicting classifications of pathogenicity. Review status: criteria provided, conflicting classifications (1 of 4 stars). 6 submissions from 6 submitters: Uncertain significance (4); Likely benign (2). Last evaluated 2025-12-31.

Conditions:
Tangier disease (TGD). Also called: HIGH DENSITY LIPOPROTEIN DEFICIENCY, TANGIER TYPE; HIGH DENSITY LIPOPROTEIN DEFICIENCY, TYPE 1; Cholesterol thesaurismosis. Identifiers: Orphanet 31150, MedGen C0039292, MONDO:0008783, OMIM 205400.
Hypoalphalipoproteinemia, primary, 1. Identifiers: Orphanet 425, MedGen C5231558, MONDO:0011393, OMIM 604091.
Cardiovascular phenotype. Identifiers: MedGen CN230736.

Allele frequency attached by ClinVar (database versions not stated): gnomAD exomes 0.00005; ExAC 0.00008; gnomAD 0.00010; TOPMed 0.00011; ESP Exome Variant Server 0.00015; 1000 Genomes Project 30x 0.00016; 1000 Genomes Project 0.00020.
gnomAD v4.1: 131 of 1,614,038 alleles (0.0081%); highest among the groups gnomAD compares: East Asian, 0.076%; no homozygotes.

Submissions (6):

Labcorp Genetics (formerly Invitae), Labcorp
Classification: Likely benign. Last evaluated: 2025-12-31. Review status: criteria provided, single submitter. Criteria: Invitae Variant Classification Sherloc (09022015). Collection method: clinical testing. Allele origin: germline.

Ambry Genetics
Classification: Uncertain significance for Cardiovascular phenotype. Last evaluated: 2025-12-30. Review status: criteria provided, single submitter. Criteria: Ambry Variant Classification Scheme 2023. Collection method: clinical testing. Allele origin: germline.
Comment: The p.R1195Q variant (also known as c.3584G>A), located in coding exon 24 of the ABCA1 gene, results from a G to A substitution at nucleotide position 3584. The arginine at codon 1195 is replaced by glutamine, an amino acid with highly similar properties. This amino acid position is highly conserved in available vertebrate species. In addition, the in silico prediction for this alteration is inconclusive. Based on the available evidence, the clinical significance of this variant remains unclear.

Blueprint Genetics
Classification: Uncertain significance. Last evaluated: 2024-10-24. Review status: criteria provided, single submitter. Criteria: ACMG Guidelines, 2015. Collection method: clinical testing. Allele origin: germline.

GeneDx
Classification: Uncertain significance. Last evaluated: 2023-11-08. Review status: criteria provided, single submitter. Criteria: GeneDx Variant Classification Process June 2021. Collection method: clinical testing. Allele origin: germline. Affected: yes.
Comment: In silico analysis supports that this missense variant does not alter protein structure/function; This variant is associated with the following publications: (PMID: 32041611)

Women's Health and Genetics/Laboratory Corporation of America, LabCorp
Classification: Likely benign. Last evaluated: 2023-06-19. Review status: criteria provided, single submitter. Criteria: LabCorp Variant Classification Summary - May 2015. Collection method: clinical testing. Allele origin: germline.
Comment: Variant summary: ABCA1 c.3584G>A (p.Arg1195Gln) results in a conservative amino acid change in the encoded protein sequence. Four of five in-silico tools predict a benign effect of the variant on protein function. The variant allele was found at a frequency of 8.4e-05 in 251482 control chromosomes in GnomAD. The observed variant frequency is approximately 6.7 fold of the estimated maximal expected allele frequency for a pathogenic variant in ABCA1 causing Early Onset Coronary Artery Disease phenotype (1.3e-05), strongly suggesting that the variant is benign. c.3584G>A has been reported in the literature in individuals affected with features of Early Onset Coronary Artery Disease without strong evidence for causality (example, Dron_2020). These report(s) do not provide unequivocal conclusions about association of the variant with Early Onset Coronary Artery Disease. To our knowledge, no experimental evidence demonstrating an impact on protein function has been reported. The following publication has been ascertained in the context of this evaluation (PMID: 32041611). One submitter has cited clinical-significance assessments for this variant to ClinVar after 2014 and has classified the variant as likely benign. Based on the evidence outlined above, the variant was classified as likely benign.

New York Genome Center
Classification: Uncertain significance for Tangier disease; Hypoalphalipoproteinemia, primary, 1. Last evaluated: 2022-10-26. Review status: criteria provided, single submitter. Criteria: NYGC Assertion Criteria 2020. Collection method: clinical testing. Allele origin: germline. Observed: 1 heterozygote.

Literature cited by the submitters: PubMed 32041611 (cited by Women's Health and Genetics/Laboratory Corporation of America, LabCorp).

NM_005502.4(ABCA1):c.3584G>A (p.Arg1195Gln)

Gene: ABCA1 (ATP binding cassette subfamily A member 1; minus strand). Cytogenetic location: 9q31.1.
Variant type: single nucleotide variant.
Coding change: c.3584G>A on transcript NM_005502.4 (MANE Select); coding-DNA position 3584, G replaced by A.
Protein change: p.Arg1195Gln; replaces arginine 1195 with glutamine.
Molecular consequence: missense variant.
Genome position (GRCh38, 1-based): chr9:104,816,297, C>T on the plus strand (G>A on the coding strand, the complement: ABCA1 is on the minus strand). VCF-style: chr9-104816297-C-T. GRCh37 (hg19) VCF-style: chr9-107578578-C-T.
Other names: c.3584G>A (NM_005502.3); short protein forms R1195Q.
Identifiers: ClinVar variation 2077232 (VCV002077232.9), dbSNP rs199734772, ClinGen allele CA5168385.
Genomic context (GRCh38, chr9:104,816,297, plus strand): 5'-TCCTTAGCAGCTTCATATGGCAGCACATAGGTCAGCTCATGCCCTATGTCTTCCACCAGC[C>T]GGGCTTCAGACACATGCTTCCTGATGAGGTTGGAGATAGCAGAGACATCTGCAGGGACCA-3'
Protein context (NP_005493.2, residues 1185-1205): NLIRKHVSEA[Arg1195Gln]LVEDIGHELT